The following is an entry in ClinVar:

NM_001943.5(DSG2):c.1_8dup (p.Ser4fs)

Genes: DSG2 (desmoglein 2; plus strand), LOC130062340 (ATAC-STARR-seq lymphoblastoid silent region 9384; plus strand). Cytogenetic location: 18q12.1.
Variant type: Duplication.
Coding change: c.1_8dup on transcript NM_001943.5 (MANE Select); coding-DNA positions 1 to 8, 8 bases duplicated (ATGGCGCG; older notation c.1_8dupATGGCGCG).
Protein change: p.Ser4fs; shifts the reading frame from serine 4.
Molecular consequence: frameshift variant, initiator codon variant.
Genome position (GRCh38, 1-based): chr18:31,498,252-31,498,259, ATGGCGCG duplicated; duplicating any 8 consecutive bases within chr18:31,498,249-31,498,259 gives the same sequence; the c. name uses the placement nearest the transcript's 3' end. VCF-style (leftmost placement, unchanged base first): chr18-31498248-T-TGCGATGGC. GRCh37 (hg19) VCF-style: chr18-29078211-T-TGCGATGGC.
Other names: c.1_8dupATGGCGCG (NM_001943.3); short protein forms S4fs.
Identifiers: ClinVar variation 3505413 (VCV003505413.2).

ClinVar aggregate classification (germline): Conflicting classifications of pathogenicity. Review status: criteria provided, conflicting classifications (1 of 4 stars). 2 submissions from 2 submitters: Likely pathogenic (1); Uncertain significance (1). Last evaluated 2024-08-01.

Conditions:
Cardiovascular phenotype. Identifiers: MedGen CN230736.

Submissions (2):

Ambry Genetics
Classification: Uncertain significance for Cardiovascular phenotype. Last evaluated: 2024-08-01. Review status: criteria provided, single submitter. Criteria: Ambry Variant Classification Scheme 2023. Collection method: clinical testing. Allele origin: germline.
Comment: The c.1_8dupATGGCGCG variant, results from a duplication of ATGGCGCG at nucleotide positions c.1 to c.8, and includes the methionine residue at the initiation codon (ATG) of coding exon 1 of the DSG2 gene. This nucleotide region is not well conserved in available vertebrate species. Variations that modify the initiation codon (ATG) are expected to result in either loss of translation initiation, N-terminal truncation, or cause a shift in the mRNA reading frame. However, it is unknown whether the duplicated material impacts protein sequence or otherwise affects transcriptional/translational regulatory elements. Since supporting evidence is limited at this time, the clinical significance of this alteration remains unclear.

Revvity Omics, Revvity
Classification: Likely pathogenic. Last evaluated: 2024-07-17. Review status: criteria provided, single submitter. Criteria: ACMG Guidelines, 2015. Collection method: clinical testing. Allele origin: germline.